The following is an entry in ClinVar:

ClinVar aggregate classification (germline): Benign. Review status: criteria provided, multiple submitters, no conflicts (2 of 4 stars). 2 submissions from 2 submitters: Benign (2). Last evaluated 2018-01-12.

Conditions:
Landau-Kleffner syndrome (FESD). Also called: EPILEPSY, FOCAL, WITH SPEECH DISORDER AND WITH OR WITHOUT MENTAL RETARDATION; APHASIA, ACQUIRED, WITH EPILEPSY. Identifiers: Orphanet 1945, Orphanet 725, Orphanet 98818, MedGen C0282512, MONDO:0009509, OMIM 245570.

Allele frequency attached by ClinVar (database versions not stated): gnomAD 0.35178 and 0.36066; TOPMed 0.34515; 1000 Genomes Project 30x 0.36118; 1000 Genomes Project 0.36761; gnomAD exomes 0.42097.
gnomAD v4.1: 82,790 of 218,178 alleles (38%); highest among the groups gnomAD compares: South Asian, 55%; 16,965 homozygotes.

Submissions (2):

Illumina Laboratory Services, Illumina
Classification: Benign for Landau-Kleffner syndrome. Last evaluated: 2018-01-12. Review status: criteria provided, single submitter. Criteria: ICSL Variant Classification Criteria 13 December 2019. Collection method: clinical testing. Allele origin: germline.
Comment: This variant was observed in the ICSL laboratory as part of a predisposition screen in an ostensibly healthy population. It had not been previously curated by ICSL or reported in the Human Gene Mutation Database (HGMD: prior to June 1st, 2018), and was therefore a candidate for classification through an automated scoring system. Utilizing variant allele frequency, disease prevalence and penetrance estimates, and inheritance mode, an automated score was calculated to assess if this variant is too frequent to cause the disease. Based on the score and internal cut-off values, a variant classified as benign is not then subjected to further curation. The score for this variant resulted in a classification of benign for this disease.

Breakthrough Genomics
Classification: Benign. Review status: criteria provided, single submitter. Criteria: ACMG Guidelines, 2015. Collection method: not provided. Allele origin: germline. Inheritance: Autosomal dominant inheritance. Affected: yes.

NM_001134407.3(GRIN2A):c.*5884G>A

Gene: GRIN2A (glutamate ionotropic receptor NMDA type subunit 2A; minus strand). Cytogenetic location: 16p13.2.
Variant type: single nucleotide variant.
Coding change: c.*5884G>A on transcript NM_001134407.3 (MANE Select); 5884 bases downstream of the stop codon, G replaced by A.
Molecular consequence: 3 prime UTR variant.
Genome position (GRCh38, 1-based): chr16:9,757,265, C>T on the plus strand (G>A on the coding strand, the complement: GRIN2A is on the minus strand). VCF-style: chr16-9757265-C-T. GRCh37 (hg19) VCF-style: chr16-9851122-C-T.
Other names: c.*5884G>A (NM_000833.5); c.*6090G>A (NM_001134408.2).
Identifiers: ClinVar variation 321519 (VCV000321519.6), dbSNP rs8045712, ClinGen allele CA10648465.
Genomic context (GRCh38, chr16:9,757,265, plus strand): 5'-TTCCTGTGCAAAAATGTAGGAGTGTGAGTGTGTTCACCTGGTTAGCAGCTCCTGGGTCTC[C>T]TAAGTCCATTATTTGAAGATTAAAATAAATCAACTGCATTTCCGGGACCACTAACTCTAT-3'